The following is an entry in ClinVar:

ClinVar aggregate classification (germline): Uncertain significance. Review status: criteria provided, multiple submitters, no conflicts (2 of 4 stars). 2 submissions from 2 submitters: Uncertain significance (2). Last evaluated 2025-08-28.

Conditions:
Growth retardation, intellectual developmental disorder, hypotonia, and hepatopathy (GRIDHH). Also called: GROWTH RETARDATION, IMPAIRED INTELLECTUAL DEVELOPMENT, HYPOTONIA, AND HEPATOPATHY. Identifiers: Orphanet 541423, MedGen C4310720, MONDO:0014911, OMIM 617093.

gnomAD v4.1: 11 of 1,589,850 alleles (0.00069%); highest among the groups gnomAD compares: Non-Finnish European, 0.00095%; no homozygotes.

Submissions (2):

Ambry Genetics
Classification: Uncertain significance. Last evaluated: 2025-08-28. Review status: criteria provided, single submitter. Criteria: Ambry Variant Classification Scheme 2023. Collection method: clinical testing. Allele origin: germline.

Genomic Medicine Center of Excellence, King Faisal Specialist Hospital and Research Centre
Classification: Uncertain significance for Growth retardation, intellectual developmental disorder, hypotonia, and hepatopathy. Last evaluated: 2024-10-13. Review status: criteria provided, single submitter. Criteria: ACMG Guidelines, 2015. Collection method: clinical testing. Allele origin: germline.
Comment: This variant (GRCh38; NM_002161.6:c.590A>G:p.Asn197Ser) results in a missense mutation with the conversion of Asparagine (Polar amino acid) to Serine (Polar amino acid) in the IARS1 protein. Not observed at significant frequency in large population cohorts (gnomAD). This variant has a strong Conservation score. A literature search was performed for the gene and associated variants. Based on this search no publications were found. Based on conflicting evidence or insufficient data to determine whether the variant is benign or pathogenic, the clinical significance of this alteration remains unclear. In summary, this variant meets our criteria for classification as of Unknown Clinical Significance based on the evidence outlined.

NM_002161.6(IARS1):c.590A>G (p.Asn197Ser)

Gene: IARS1 (isoleucyl-tRNA synthetase 1; minus strand). Cytogenetic location: 9q22.31.
Variant type: single nucleotide variant.
Coding change: c.590A>G on transcript NM_002161.6 (MANE Select); coding-DNA position 590, A replaced by G.
Protein change: p.Asn197Ser; replaces asparagine 197 with serine.
Molecular consequence: missense variant. On other transcripts: non-coding transcript variant (1).
Genome position (GRCh38, 1-based): chr9:92,285,729, T>C on the plus strand (A>G on the coding strand, the complement: IARS1 is on the minus strand). VCF-style: chr9-92285729-T-C. GRCh37 (hg19) VCF-style: chr9-95048011-T-C.
Other names: c.590A>G, p.Asn197Ser (NM_001374299.1, NM_001374300.1, NM_001374301.1 and 15 more transcripts); c.653A>G, p.Asn218Ser (NM_001378569.1); c.467A>G, p.Asn156Ser (NM_001378583.1); c.590A>G (NM_013417.2); short protein forms N156S, N197S, N218S.
Identifiers: ClinVar variation 3363137 (VCV003363137.2).